The following is an entry in ClinVar:

ClinVar aggregate classification (germline): Pathogenic (1 of 4 stars; one submission).

Conditions:
Glycogen storage disease XV (GSD15). Also called: GLYCOGENIN DEFICIENCY; GSD XV. Identifiers: Orphanet 263297, MedGen C3150754, MONDO:0013291, OMIM 613507.
Polyglucosan body myopathy type 2. Identifiers: Orphanet 456369, MedGen C4015452, MONDO:0014526, OMIM 616199.

Allele frequency attached by ClinVar (database versions not stated): gnomAD exomes below 0.00001; TOPMed below 0.00001; gnomAD 0.00001.
gnomAD v4.1: 2 of 1,613,716 alleles (0.00012%); highest among the groups gnomAD compares: African/African-American, 0.0013%; no homozygotes.

Submission:

Labcorp Genetics (formerly Invitae), Labcorp
Classification: Pathogenic for Polyglucosan body myopathy type 2; Glycogen storage disease XV. Last evaluated: 2022-10-10. Review status: criteria provided, single submitter. Criteria: Invitae Variant Classification Sherloc (09022015). Collection method: clinical testing. Allele origin: germline.
Comment: For these reasons, this variant has been classified as Pathogenic. This variant has not been reported in the literature in individuals affected with GYG1-related conditions. This variant is present in population databases (no rsID available, gnomAD 0.004%). This sequence change creates a premature translational stop signal (p.Gln28*) in the GYG1 gene. It is expected to result in an absent or disrupted protein product. Loss-of-function variants in GYG1 are known to be pathogenic (PMID: 20357282, 25272951).

Literature cited by the submitters: PubMed 20357282; PubMed 25272951.

NM_004130.4(GYG1):c.82C>T (p.Gln28Ter)

Gene: GYG1 (glycogenin 1; plus strand). Cytogenetic location: 3q24.
Variant type: single nucleotide variant.
Coding change: c.82C>T on transcript NM_004130.4 (MANE Select); coding-DNA position 82, C replaced by T.
Protein change: p.Gln28Ter; replaces glutamine 28 with a stop codon.
Molecular consequence: nonsense.
Genome position (GRCh38, 1-based): chr3:148,994,216, C>T. VCF-style: chr3-148994216-C-T. GRCh37 (hg19) VCF-style: chr3-148712003-C-T.
Other names: c.82C>T, p.Gln28Ter (NM_001184720.2, NM_001184721.2); short protein forms Q28*.
Identifiers: ClinVar variation 2045936 (VCV002045936.4), dbSNP rs938753170, ClinGen allele CA85546105.